The following is an entry in ClinVar:

NM_001457.4(FLNB):c.4006C>A (p.Pro1336Thr)

Gene: FLNB (filamin B; plus strand). Cytogenetic location: 3p14.3.
Variant type: single nucleotide variant.
Coding change: c.4006C>A on transcript NM_001457.4 (MANE Select); coding-DNA position 4006, C replaced by A.
Protein change: p.Pro1336Thr; replaces proline 1336 with threonine.
Molecular consequence: missense variant.
Genome position (GRCh38, 1-based): chr3:58,125,688, C>A. VCF-style: chr3-58125688-C-A. GRCh37 (hg19) VCF-style: chr3-58111415-C-A.
Other names: c.4006C>A (NM_001457.3); c.4006C>A, p.Pro1336Thr (NM_001164317.2, NM_001164318.2, NM_001164319.2); short protein forms P1336T.
Identifiers: ClinVar variation 2278974 (VCV002278974.8), dbSNP rs767618168, ClinGen allele CA2468615.
Genomic context (GRCh38, chr3:58,125,688, plus strand): 5'-AGTCCCTTCAAGGTGGCTGTCACTGAAGGCTGCCAGCCATCTAGGGTGCAAGCCCAAGGA[C>A]CTGGATTGAAAGAGGCCTTTACCAACAAGCCCAATGTCTTCACCGTGGTTACCAGGTAGG-3'
Protein context (NP_001448.2, residues 1326-1346): CQPSRVQAQG[Pro1336Thr]GLKEAFTNKP

ClinVar aggregate classification (germline): Uncertain significance. Review status: criteria provided, multiple submitters, no conflicts (2 of 4 stars). 2 submissions from 2 submitters: Uncertain significance (2). Last evaluated 2023-08-24.

Conditions:
Inborn genetic diseases. Identifiers: MedGen C0950123, MeSH D030342.

Allele frequency attached by ClinVar (database versions not stated): TOPMed below 0.00001; ExAC 0.00002; gnomAD exomes 0.00002.
gnomAD v4.1: 32 of 1,614,146 alleles (0.002%); highest among the groups gnomAD compares: Non-Finnish European, 0.0025%; no homozygotes.

Submissions (2):

Labcorp Genetics (formerly Invitae), Labcorp
Classification: Uncertain significance. Last evaluated: 2023-08-24. Review status: criteria provided, single submitter. Criteria: Invitae Variant Classification Sherloc (09022015). Collection method: clinical testing. Allele origin: germline.
Comment: In summary, the available evidence is currently insufficient to determine the role of this variant in disease. Therefore, it has been classified as a Variant of Uncertain Significance. Advanced modeling of protein sequence and biophysical properties (such as structural, functional, and spatial information, amino acid conservation, physicochemical variation, residue mobility, and thermodynamic stability) performed at Invitae indicates that this missense variant is not expected to disrupt FLNB protein function. ClinVar contains an entry for this variant (Variation ID: 2278974). This variant has not been reported in the literature in individuals affected with FLNB-related conditions. This variant is present in population databases (rs767618168, gnomAD 0.004%). This sequence change replaces proline, which is neutral and non-polar, with threonine, which is neutral and polar, at codon 1336 of the FLNB protein (p.Pro1336Thr).

Ambry Genetics
Classification: Uncertain significance for Inborn genetic diseases. Last evaluated: 2022-03-16. Review status: criteria provided, single submitter. Criteria: Ambry Variant Classification Scheme 2023. Collection method: clinical testing. Allele origin: germline.